The following is an entry in ClinVar:

NM_198282.4(STING1):c.787_792del (p.Thr263_Pro264del)

Gene: STING1 (stimulator of interferon response cGAMP interactor 1; minus strand). Cytogenetic location: 5q31.2.
Variant type: Deletion.
Coding change: c.787_792del on transcript NM_198282.4 (MANE Select); coding-DNA positions 787 to 792, 6 bases deleted (ACCCCC; older notation c.787_792delACCCCC).
Protein change: p.Thr263_Pro264del.
Molecular consequence: intron variant (on NM_001301738.2).
Genome position (GRCh38, 1-based): chr5:139,477,483-139,477,488, GGGGGT deleted on the plus strand (ACCCCC on the coding strand, the reverse complement: STING1 is on the minus strand); deleting any 6 consecutive bases within chr5:139,477,483-139,477,490 gives the same sequence; the c. name uses the placement nearest the transcript's 3' end. VCF-style (leftmost placement, unchanged base first): chr5-139477482-AGGGGGT-A. GRCh37 (hg19) VCF-style: chr5-138857067-AGGGGGT-A.
Other names: c.430_435del, p.Thr144_Pro145del (NM_001367258.1); c.759+782_759+787del (NM_001301738.2).
Identifiers: ClinVar variation 4056314 (VCV004056314.1).

ClinVar aggregate classification (germline): Benign (1 of 4 stars; one submission).

Conditions:
STING-associated vasculopathy with onset in infancy. Also called: Sting-associated vasculopathy, infantile-onset. Identifiers: Orphanet 425120, MedGen C4014722, MONDO:0014405, OMIM 615934.

Submission:

Institute of Human Genetics, University of Leipzig Medical Center
Classification: Benign for STING-associated vasculopathy with onset in infancy. Last evaluated: 2025-06-17. Review status: criteria provided, single submitter. Criteria: ACMG Guidelines, 2015. Collection method: clinical testing. Allele origin: unknown. Inheritance: Autosomal dominant inheritance. Affected: yes.
Comment: Criteria applied: BS1,BS2,BS4